The following is an entry in ClinVar:

NM_002272.4(KRT4):c.215C>T (p.Ala72Val)

Gene: KRT4 (keratin 4; minus strand). Cytogenetic location: 12q13.13.
Variant type: single nucleotide variant.
Coding change: c.215C>T on transcript NM_002272.4 (MANE Select); coding-DNA position 215, C replaced by T.
Protein change: p.Ala72Val; replaces alanine 72 with valine.
Molecular consequence: missense variant.
Genome position (GRCh38, 1-based): chr12:52,813,844, G>A on the plus strand (C>T on the coding strand, the complement: KRT4 is on the minus strand). VCF-style: chr12-52813844-G-A. GRCh37 (hg19) VCF-style: chr12-53207628-G-A.
Other names: short protein forms A72V.
Identifiers: ClinVar variation 309709 (VCV000309709.10), dbSNP rs2638525, ClinGen allele CA6588815.
Genomic context (GRCh38, chr12:52,813,844, plus strand): 5'-GAGCCCCCAAATCCACCACCAAAGCCACCAGTGCCAAAGCCTCCAGCACCCCCAAAGCAG[G>A]CACCTTGTCGTGACCCAGCCACACTCATGGAGATGCTTTTGTTCCCCCTGAGGTTGTAGA-3'
Protein context (NP_002263.3, residues 62-82): SMSVAGSRQG[Ala72Val]CFGGAGGFGT

ClinVar aggregate classification (germline): Benign. Review status: criteria provided, multiple submitters, no conflicts (2 of 4 stars). 4 submissions from 4 submitters: Benign (3). 1 of the submissions does not count toward it. Last evaluated 2021-05-04.

Conditions:
White sponge nevus 1. Also called: LEUKOKERATOSIS, HEREDITARY MUCOSAL. Identifiers: MedGen C4011926, MONDO:0008676, OMIM 193900.
KRT4-related disorder. Also called: KRT4-related condition.

Allele frequency attached by ClinVar (database versions not stated): ExAC 0.18226; gnomAD exomes 0.19773 and 0.38713; 1000 Genomes Project 0.22165; 1000 Genomes Project 30x 0.22689; TOPMed 0.23955; ESP Exome Variant Server 0.24462; gnomAD 0.51489.

Submissions (4):

GeneDx
Classification: Benign. Last evaluated: 2021-05-04. Review status: criteria provided, single submitter. Criteria: GeneDx Variant Classification Process June 2021. Collection method: clinical testing. Allele origin: germline. Affected: yes.

Illumina Laboratory Services, Illumina
Classification: Benign for White sponge nevus 1. Last evaluated: 2018-01-12. Review status: criteria provided, single submitter. Criteria: ICSL Variant Classification Criteria 13 December 2019. Collection method: clinical testing. Allele origin: germline.
Comment: This variant was observed in the ICSL laboratory as part of a predisposition screen in an ostensibly healthy population. It had not been previously curated by ICSL or reported in the Human Gene Mutation Database (HGMD: prior to June 1st, 2018), and was therefore a candidate for classification through an automated scoring system. Utilizing variant allele frequency, disease prevalence and penetrance estimates, and inheritance mode, an automated score was calculated to assess if this variant is too frequent to cause the disease. Based on the score and internal cut-off values, a variant classified as benign is not then subjected to further curation. The score for this variant resulted in a classification of benign for this disease.

Breakthrough Genomics
Classification: Benign. Review status: criteria provided, single submitter. Criteria: ACMG Guidelines, 2015. Collection method: not provided. Allele origin: germline. Inheritance: Autosomal dominant inheritance. Affected: yes.

PreventionGenetics, part of Exact Sciences
Classification: Benign for KRT4-related condition. Last evaluated: 2019-10-29. Review status: no assertion criteria provided. Collection method: clinical testing. Allele origin: germline. Not counted in ClinVar's aggregate classification.
Comment: This variant is classified as benign based on ACMG/AMP sequence variant interpretation guidelines (Richards et al. 2015 PMID: 25741868, with internal and published modifications).